The following is an entry in ClinVar:

ClinVar aggregate classification (germline): Uncertain significance (1 of 4 stars; one submission).

Conditions:
Congenital muscular dystrophy due to integrin alpha-7 deficiency. Also called: MYOPATHY, CONGENITAL, DUE TO INTEGRIN ALPHA-7 DEFICIENCY; Congenital muscular dystrophy with integrin alpha-7 deficiency; Muscular dystrophy, congenital, due to ITGA7 deficiency. Identifiers: Orphanet 34520, MedGen C2750786, MONDO:0013177, OMIM 613204.

Allele frequency attached by ClinVar (database versions not stated): gnomAD 0.00001.
gnomAD v4.1: 1 of 1,613,516 alleles (0.000062%); highest among the groups gnomAD compares: Non-Finnish European, 0.000085%; no homozygotes.

Submission:

Labcorp Genetics (formerly Invitae), Labcorp
Classification: Uncertain significance for Congenital muscular dystrophy due to integrin alpha-7 deficiency. Last evaluated: 2022-12-03. Review status: criteria provided, single submitter. Criteria: Invitae Variant Classification Sherloc (09022015). Collection method: clinical testing. Allele origin: germline.
Comment: This sequence change replaces aspartic acid, which is acidic and polar, with valine, which is neutral and non-polar, at codon 235 of the ITGA7 protein (p.Asp235Val). This variant is present in population databases (no rsID available, gnomAD 0.007%). In summary, the available evidence is currently insufficient to determine the role of this variant in disease. Therefore, it has been classified as a Variant of Uncertain Significance. Advanced modeling of protein sequence and biophysical properties (such as structural, functional, and spatial information, amino acid conservation, physicochemical variation, residue mobility, and thermodynamic stability) performed at Invitae indicates that this missense variant is not expected to disrupt ITGA7 protein function. This variant has not been reported in the literature in individuals affected with ITGA7-related conditions.

NM_002206.3(ITGA7):c.704A>T (p.Asp235Val)

Gene: ITGA7 (integrin subunit alpha 7; minus strand). Cytogenetic location: 12q13.2.
Variant type: single nucleotide variant.
Coding change: c.704A>T on transcript NM_002206.3 (MANE Select); coding-DNA position 704, A replaced by T.
Protein change: p.Asp235Val; replaces aspartic acid 235 with valine.
Molecular consequence: missense variant. On other transcripts: intron variant (7).
Genome position (GRCh38, 1-based): chr12:55,699,956, T>A on the plus strand (A>T on the coding strand, the complement: ITGA7 is on the minus strand). VCF-style: chr12-55699956-T-A. GRCh37 (hg19) VCF-style: chr12-56093740-T-A.
Other names: c.704A>T, p.Asp235Val (NM_001374465.1, NM_001414031.1, NM_001414034.1); c.836A>T, p.Asp279Val (NM_001410977.1); c.521A>T, p.Asp174Val (NM_001414033.1); c.365A>T, p.Asp122Val (NM_001414035.1); c.511+306A>T (NM_001144997.2); c.463+306A>T (NM_001367993.1); c.-503+943A>T (NM_001367994.1); c.670+943A>T (NM_001414032.1); and 1 more; short protein forms D235V, D279V, D122V, D174V.
Identifiers: ClinVar variation 2818136 (VCV002818136.3), dbSNP rs1209118362, ClinGen allele CA385191543.